The following is an entry in ClinVar:

NM_000179.3(MSH6):c.654G>C (p.Lys218Asn)

Gene: MSH6 (mutS homolog 6; plus strand). Cytogenetic location: 2p16.3.
Variant type: single nucleotide variant.
Coding change: c.654G>C on transcript NM_000179.3 (MANE Select); coding-DNA position 654, G replaced by C.
Protein change: p.Lys218Asn; replaces lysine 218 with asparagine.
Molecular consequence: missense variant. On other transcripts: 5 prime UTR variant (2).
Genome position (GRCh38, 1-based): chr2:47,798,637, G>C. VCF-style: chr2-47798637-G-C. GRCh37 (hg19) VCF-style: chr2-48025776-G-C.
Other names: c.264G>C, p.Lys88Asn (NM_001281492.2); c.-253G>C (NM_001281493.2, NM_001281494.2); short protein forms K88N, K218N.
Identifiers: ClinVar variation 927554 (VCV000927554.5), dbSNP rs1669241633, ClinGen allele CA346739323.
Genomic context (GRCh38, chr2:47,798,637, plus strand): 5'-ATTTGTTTTTAAATACTCTTTCCTTGCCTGGCAGGTAGGCACAACTTACGTAACAGATAA[G>C]AGTGAAGAAGATAATGAAATTGAGAGTGAAGAGGAAGTACAGCCTAAGACACAAGGATCT-3'
Protein context (NP_000170.1, residues 208-228): MEVGTTYVTD[Lys218Asn]SEEDNEIESE

ClinVar aggregate classification (germline): Uncertain significance. Review status: criteria provided, multiple submitters, no conflicts (2 of 4 stars). 2 submissions from 2 submitters: Uncertain significance (2). Last evaluated 2025-08-18.

Conditions:
Hereditary cancer-predisposing syndrome. Also called: Neoplastic Syndromes, Hereditary; Hereditary Cancer Syndrome; Tumor predisposition; Hereditary neoplastic syndrome. Identifiers: Orphanet 140162, MedGen C0027672, MeSH D009386, MONDO:0015356.
Hereditary nonpolyposis colorectal neoplasms. Identifiers: MedGen C0009405, MeSH D003123.

Submissions (2):

Labcorp Genetics (formerly Invitae), Labcorp
Classification: Uncertain significance for Hereditary nonpolyposis colorectal neoplasms. Last evaluated: 2025-08-18. Review status: criteria provided, single submitter. Criteria: Invitae Variant Classification Sherloc (09022015). Collection method: clinical testing. Allele origin: germline.
Comment: This sequence change replaces lysine, which is basic and polar, with asparagine, which is neutral and polar, at codon 218 of the MSH6 protein (p.Lys218Asn). This variant is not present in population databases (gnomAD no frequency). This variant has not been reported in the literature in individuals affected with MSH6-related conditions. ClinVar contains an entry for this variant (Variation ID: 927554). Invitae Evidence Modeling of protein sequence and biophysical properties (such as structural, functional, and spatial information, amino acid conservation, physicochemical variation, residue mobility, and thermodynamic stability) indicates that this missense variant is not expected to disrupt MSH6 protein function with a negative predictive value of 95%. In summary, the available evidence is currently insufficient to determine the role of this variant in disease. Therefore, it has been classified as a Variant of Uncertain Significance.

Color Diagnostics, LLC DBA Color Health
Classification: Uncertain significance for Hereditary cancer-predisposing syndrome. Last evaluated: 2024-03-07. Review status: criteria provided, single submitter. Criteria: ACMG Guidelines, 2015. Collection method: clinical testing. Allele origin: germline.
Comment: This missense variant replaces lysine with asparagine at codon 218 of the MSH6 protein. Computational prediction suggests that this variant may not impact protein structure and function (internally defined REVEL score threshold <= 0.5, PMID: 27666373). Splice site prediction tools suggest that this variant may not impact RNA splicing. To our knowledge, functional studies have not been performed for this variant. This variant has not been reported in individuals affected with hereditary cancer in the literature. This variant has not been identified in the general population by the Genome Aggregation Database (gnomAD). The available evidence is insufficient to determine the role of this variant in disease conclusively. Therefore, this variant is classified as a Variant of Uncertain Significance.